The following is an entry in ClinVar:

ClinVar aggregate classification (germline): Uncertain significance (1 of 4 stars; one submission).

Submission:

Athena Diagnostics
Classification: Uncertain significance. Last evaluated: 2024-07-24. Review status: criteria provided, single submitter. Criteria: Athena Diagnostics Criteria. Collection method: clinical testing. Allele origin: unknown.
Comment: Available data are insufficient to determine the clinical significance of the variant at this time. This variant has not been reported in large, multi-ethnic general populations. Polyphen and MutationTaster predict this amino acid change may be damaging to the protein.

NM_018319.4(TDP1):c.1460G>C (p.Arg487Pro)

Gene: TDP1 (tyrosyl-DNA phosphodiesterase 1; plus strand). Cytogenetic location: 14q32.11.
Variant type: single nucleotide variant.
Coding change: c.1460G>C on transcript NM_018319.4 (MANE Select); coding-DNA position 1460, G replaced by C.
Protein change: p.Arg487Pro; replaces arginine 487 with proline.
Molecular consequence: missense variant.
Genome position (GRCh38, 1-based): chr14:89,993,402, G>C. VCF-style: chr14-89993402-G-C. GRCh37 (hg19) VCF-style: chr14-90459746-G-C.
Other names: c.1460G>C, p.Arg487Pro (NM_001008744.2, NM_001330205.2); short protein forms R487P.
Identifiers: ClinVar variation 3571713 (VCV003571713.1).